The following is an entry in ClinVar:

ClinVar aggregate classification (germline): Benign/Likely benign. Review status: criteria provided, multiple submitters, no conflicts (2 of 4 stars). 11 submissions from 10 submitters: Benign (7); Likely benign (1). 3 of the submissions do not count toward it. Last evaluated 2026-02-04.

Conditions:
Fetal akinesia deformation sequence 1 (FADS1). Also called: Pena-Shokeir syndrome type I; Fetal akinesia sequence. Identifiers: Orphanet 994, MedGen C1276035, MONDO:0100101, OMIM 208150, HP:0001989.
Congenital myasthenic syndrome 11. Also called: MYASTHENIC SYNDROME, CONGENITAL, Ie; Myasthenic syndrome, congenital, 11, associated with acetylcholine receptor deficiency. Identifiers: Orphanet 590, MedGen C4225367, MONDO:0014588, OMIM 616326.
Congenital myasthenic syndrome (CMS). Also called: Congenital Myasthenic Syndromes. Identifiers: Orphanet 590, MedGen C0751882, MeSH D020294, MONDO:0018940.

Allele frequency attached by ClinVar (database versions not stated): ESP Exome Variant Server 0.01162; 1000 Genomes Project 30x 0.01171; TOPMed 0.01212; 1000 Genomes Project 0.01078; gnomAD 0.01344.
gnomAD v4.1: 24,487 of 1,614,256 alleles (1.5%); highest among the groups gnomAD compares: Admixed American, 3.9%; 265 homozygotes.

Submissions (11):

Labcorp Genetics (formerly Invitae), Labcorp
Classification: Benign for Congenital myasthenic syndrome 11; Fetal akinesia deformation sequence 1. Last evaluated: 2026-02-04. Review status: criteria provided, single submitter. Criteria: Invitae Variant Classification Sherloc (09022015). Collection method: clinical testing. Allele origin: germline.

Blueprint Genetics
Classification: Likely benign. Last evaluated: 2024-11-26. Review status: criteria provided, single submitter. Criteria: ACMG Guidelines, 2015. Collection method: clinical testing. Allele origin: germline.

Mayo Clinic Laboratories, Mayo Clinic
Classification: Benign. Last evaluated: 2018-09-06. Review status: criteria provided, single submitter. Criteria: ACMG Guidelines, 2015. Collection method: clinical testing. Allele origin: germline. Observed: 17 variant alleles.

Illumina Laboratory Services, Illumina
Classification: Benign for Fetal akinesia deformation sequence 1. Last evaluated: 2018-01-13. Review status: criteria provided, single submitter. Criteria: ICSL Variant Classification Criteria 13 December 2019. Collection method: clinical testing. Allele origin: germline.
Comment: This variant was observed in the ICSL laboratory as part of a predisposition screen in an ostensibly healthy population. It had not been previously curated by ICSL or reported in the Human Gene Mutation Database (HGMD: prior to June 1st, 2018), and was therefore a candidate for classification through an automated scoring system. Utilizing variant allele frequency, disease prevalence and penetrance estimates, and inheritance mode, an automated score was calculated to assess if this variant is too frequent to cause the disease. Based on the score and internal cut-off values, a variant classified as benign is not then subjected to further curation. The score for this variant resulted in a classification of benign for this disease.

Illumina Laboratory Services, Illumina
Classification: Benign for Congenital myasthenic syndrome 11. Last evaluated: 2018-01-13. Review status: criteria provided, single submitter. Criteria: ICSL Variant Classification Criteria 13 December 2019. Collection method: clinical testing. Allele origin: germline.
Comment: the same text as in the submission from Illumina Laboratory Services, Illumina above.

GeneDx
Classification: Benign. Last evaluated: 2016-10-12. Review status: criteria provided, single submitter. Criteria: GeneDx Variant Classification (06012015). Collection method: clinical testing. Allele origin: germline. Affected: yes.
Comment: This variant is considered likely benign or benign based on one or more of the following criteria: it is a conservative change, it occurs at a poorly conserved position in the protein, it is predicted to be benign by multiple in silico algorithms, and/or has population frequency not consistent with disease.

Breakthrough Genomics
Classification: Benign. Review status: criteria provided, single submitter. Criteria: ACMG Guidelines, 2015. Collection method: not provided. Allele origin: germline. Inheritance: Autosomal recessive inheritance. Affected: yes.

PreventionGenetics, part of Exact Sciences
Classification: Benign. Review status: criteria provided, single submitter. Criteria: ACMG Guidelines, 2015. Collection method: clinical testing. Allele origin: germline.

Natera, Inc.
Classification: Benign for Congenital myasthenic syndrome. Last evaluated: 2020-09-16. Review status: no assertion criteria provided. Collection method: clinical testing. Allele origin: germline. Not counted in ClinVar's aggregate classification.

Genome Diagnostics Laboratory, University Medical Center Utrecht
Classification: Likely benign. Review status: no assertion criteria provided. Collection method: clinical testing. Allele origin: germline. Affected: yes. Study: VKGL Data-share Consensus. Not counted in ClinVar's aggregate classification.

Laboratory of Diagnostic Genome Analysis, Leiden University Medical Center (LUMC)
Classification: Likely benign. Review status: no assertion criteria provided. Collection method: clinical testing. Allele origin: germline. Affected: yes. Study: VKGL Data-share Consensus. Not counted in ClinVar's aggregate classification.

NM_005055.5(RAPSN):c.614G>A (p.Arg205Gln)

Gene: RAPSN (receptor associated protein of the synapse; minus strand). Cytogenetic location: 11p11.2.
Variant type: single nucleotide variant.
Coding change: c.614G>A on transcript NM_005055.5 (MANE Select); coding-DNA position 614, G replaced by A.
Protein change: p.Arg205Gln; replaces arginine 205 with glutamine.
Molecular consequence: missense variant.
Genome position (GRCh38, 1-based): chr11:47,442,732, C>T on the plus strand (G>A on the coding strand, the complement: RAPSN is on the minus strand). VCF-style: chr11-47442732-C-T. GRCh37 (hg19) VCF-style: chr11-47464284-C-T.
Other names: p.Arg205Gln; c.614G>A, p.Arg205Gln (NM_032645.5); short protein forms R205Q.
Identifiers: ClinVar variation 259630 (VCV000259630.21), dbSNP rs34625105, ClinGen allele CA5976694.